The following is an entry in ClinVar:

ClinVar aggregate classification (germline): Benign/Likely benign. Review status: criteria provided, multiple submitters, no conflicts (2 of 4 stars). 10 submissions from 10 submitters: Benign (3); Likely benign (3). 4 of the submissions do not count toward it. Last evaluated 2024-11-26.

Conditions:
TTN-related disorder. Also called: TTN-related disorders; TTN-related condition; TTN-related disease.

Allele frequency attached by ClinVar (database versions not stated): gnomAD 0.00190 and 0.00267; TOPMed 0.00231; ESP Exome Variant Server 0.00300; gnomAD exomes 0.00494 and 0.00519; 1000 Genomes Project 30x 0.00531; ExAC 0.00534; 1000 Genomes Project 0.00579.
gnomAD v4.1: 7,689 of 1,613,284 alleles (0.48%); highest among the groups gnomAD compares: Middle Eastern, 2.6%; 71 homozygotes.

Submissions (10):

Blueprint Genetics
Classification: Likely benign. Last evaluated: 2024-11-26. Review status: criteria provided, single submitter. Criteria: ACMG Guidelines, 2015. Collection method: clinical testing. Allele origin: germline.

ARUP Laboratories, Molecular Genetics and Genomics, ARUP Laboratories
Classification: Benign. Last evaluated: 2023-09-22. Review status: criteria provided, single submitter. Criteria: ARUP Molecular Germline Variant Investigation Process 2024. Collection method: clinical testing. Allele origin: germline.

GeneDx
Classification: Benign. Last evaluated: 2014-01-30. Review status: criteria provided, single submitter. Criteria: GeneDx Variant Classification (06012015). Collection method: clinical testing. Allele origin: germline. Affected: yes.
Comment: This variant is considered likely benign or benign based on one or more of the following criteria: it is a conservative change, it occurs at a poorly conserved position in the protein, it is predicted to be benign by multiple in silico algorithms, and/or has population frequency not consistent with disease.

Laboratory for Molecular Medicine, Mass General Brigham Personalized Medicine
Classification: Benign. Last evaluated: 2012-07-24. Review status: criteria provided, single submitter. Criteria: LMM Criteria. Collection method: clinical testing. Allele origin: germline. Observed: 23 variant alleles.
Comment: Pro4918Pro in Exon 45A of TTN: This variant is not expected to have clinical sig nificance because it does not alter an amino acid residue, is not located within the splice consensus sequence and has been identified in 0.4% (28/7018) of Euro pean American chromosomes from a broad population by the NHLBI Exome Sequencing Project (dbSNP rs72648908).

Breakthrough Genomics
Classification: Likely benign. Review status: criteria provided, single submitter. Criteria: ACMG Guidelines, 2015. Collection method: not provided. Allele origin: germline. Inheritance: Autosomal recessive inheritance. Affected: yes.

Molecular Diagnostic Laboratory for Inherited Cardiovascular Disease, Montreal Heart Institute
Classification: Likely benign. Review status: criteria provided, single submitter. Criteria: ACMG Guidelines, 2015. Collection method: clinical testing. Allele origin: germline. Affected: yes.

PreventionGenetics, part of Exact Sciences
Classification: Benign for TTN-related condition. Last evaluated: 2019-03-04. Review status: no assertion criteria provided. Collection method: clinical testing. Allele origin: germline. Not counted in ClinVar's aggregate classification.
Comment: This variant is classified as benign based on ACMG/AMP sequence variant interpretation guidelines (Richards et al. 2015 PMID: 25741868, with internal and published modifications).

Clinical Genetics DNA and cytogenetics Diagnostics Lab, Erasmus MC, Erasmus Medical Center
Classification: Benign. Review status: no assertion criteria provided. Collection method: clinical testing. Allele origin: germline. Affected: yes. Study: VKGL Data-share Consensus. Not counted in ClinVar's aggregate classification.

Clinical Genetics, Academic Medical Center
Classification: Benign. Review status: no assertion criteria provided. Collection method: clinical testing. Allele origin: germline. Affected: yes. Study: VKGL Data-share Consensus. Not counted in ClinVar's aggregate classification.

Diagnostic Laboratory, Department of Genetics, University Medical Center Groningen
Classification: Likely benign. Review status: no assertion criteria provided. Collection method: clinical testing. Allele origin: germline. Affected: yes. Study: VKGL Data-share Consensus. Not counted in ClinVar's aggregate classification.

NM_133379.5(TTN):c.14754T>G (p.Pro4918=)

Genes: TTN (titin; minus strand), LOC126806432 (CDK7 strongly-dependent group 2 enhancer GRCh37_chr2:179611985-179613184; plus strand). Cytogenetic location: 2q31.2.
Variant type: single nucleotide variant.
Coding change: c.14754T>G on transcript NM_133379.5; coding-DNA position 14754, T replaced by G.
Protein change: p.Pro4918=; no amino-acid change (proline 4918 retained).
Molecular consequence: synonymous variant. On other transcripts: intron variant (6).
Genome position (GRCh38, 1-based): chr2:178,747,646, A>C on the plus strand (T>G on the coding strand, the complement: TTN is on the minus strand). VCF-style: chr2-178747646-A-C. GRCh37 (hg19) VCF-style: chr2-179612373-A-C.
Other names: p.P4918P:CCT>CCG; c.10360+5478T>G (NM_001256850.1, NM_133378.4); c.10222+5478T>G (NM_003319.4); c.10798+5478T>G (NM_133437.4); c.10597+5478T>G (NM_133432.3); c.11311+5478T>G (NM_001267550.2).
Identifiers: ClinVar variation 47776 (VCV000047776.19), dbSNP rs72648908, ClinGen allele CA284482.